The following is an entry in ClinVar:

ClinVar aggregate classification (germline): Benign (1 of 4 stars; one submission).

Conditions:
Congenital afibrinogenemia. Identifiers: Orphanet 335, Orphanet 98880, MedGen C2584774, MONDO:0008737, OMIM 202400.

Allele frequency attached by ClinVar (database versions not stated): gnomAD 0.00717 and 0.00766; TOPMed 0.00765; 1000 Genomes Project 0.00799; 1000 Genomes Project 30x 0.00953.
gnomAD v4.1: 1,076 of 152,060 alleles (0.71%); highest among the groups gnomAD compares: African/African-American, 2.5%; 14 homozygotes.

Submission:

Illumina Laboratory Services, Illumina
Classification: Benign for Congenital afibrinogenemia. Last evaluated: 2017-11-15. Review status: criteria provided, single submitter. Criteria: ICSL Variant Classification Criteria 13 December 2019. Collection method: clinical testing. Allele origin: germline.
Comment: This variant was observed as part of a predisposition screen in an ostensibly healthy population. A literature search was performed for the gene, cDNA change, and amino acid change (where applicable). Publications were found based on this search. The evidence from the literature, in combination with allele frequency data from public databases where available, was sufficient to rule this variant out of causing disease. Therefore, this variant is classified as benign.

Literature cited by the submitters: PubMed 22273812.

NM_005141.5(FGB):c.*1070G>C

Gene: FGB (fibrinogen beta chain; plus strand). Cytogenetic location: 4q31.3.
Variant type: single nucleotide variant.
Coding change: c.*1070G>C on transcript NM_005141.5 (MANE Select); 1070 bases downstream of the stop codon, G replaced by C.
Molecular consequence: 3 prime UTR variant.
Genome position (GRCh38, 1-based): chr4:154,571,720, G>C. VCF-style: chr4-154571720-G-C. GRCh37 (hg19) VCF-style: chr4-155492872-G-C.
Other names: c.*1070G>C (NM_001184741.1).
Identifiers: ClinVar variation 902925 (VCV000902925.4), dbSNP rs2227425, ClinGen allele CA11817905.